The following is an entry in ClinVar:

NC_000019.10:g.48234544del

Gene: CARD8 (caspase recruitment domain family member 8; minus strand). Cytogenetic location: 19q13.33.
Variant type: Deletion.
Genome position: GRCh38 VCF-style: chr19-48234541-AC-A. GRCh37 (hg19) VCF-style: chr19-48737798-AC-A.
Identifiers: ClinVar variation 2692752 (VCV002692752.3), dbSNP rs2514953952, ClinGen allele CA2697556641.
Genomic context (GRCh38, chr19:48,234,541, plus strand): 5'-TCTTGGAAAAAATGTGAGATGTCACAAAGGGTCTCAGAAACACAGGGTAGCTCCCTGTAT[AC>A]CCTGGAAAACAACAACAGAATTTTTACTATGAATATAAGGTAGGTGCCTGATGATAGCAT-3'

ClinVar aggregate classification (germline): Uncertain significance (1 of 4 stars; one submission).

Submission:

Labcorp Genetics (formerly Invitae), Labcorp
Classification: Uncertain significance. Last evaluated: 2023-05-23. Review status: criteria provided, single submitter. Criteria: Invitae Variant Classification Sherloc (09022015). Collection method: clinical testing. Allele origin: germline.
Comment: In summary, the available evidence is currently insufficient to determine the role of this variant in disease. Therefore, it has been classified as a Variant of Uncertain Significance. This variant has not been reported in the literature in individuals affected with CARD8-related conditions. This variant is not present in population databases (gnomAD no frequency). This sequence change creates a premature translational stop signal (p.Val21Tyrfs*70) in the CARD8 gene. It is expected to result in an absent or disrupted protein product. However, the current clinical and genetic evidence is not sufficient to establish whether loss-of-function variants in CARD8 cause disease.